The following is an entry in ClinVar:

NM_001378452.1(ITPR1):c.6464C>T (p.Ala2155Val)

Gene: ITPR1 (inositol 1,4,5-trisphosphate receptor type 1; plus strand). Cytogenetic location: 3p26.1.
Variant type: single nucleotide variant.
Coding change: c.6464C>T on transcript NM_001378452.1 (MANE Select); coding-DNA position 6464, C replaced by T.
Protein change: p.Ala2155Val; replaces alanine 2155 with valine.
Molecular consequence: missense variant.
Genome position (GRCh38, 1-based): chr3:4,782,695, C>T. VCF-style: chr3-4782695-C-T. GRCh37 (hg19) VCF-style: chr3-4824379-C-T.
Other names: c.6320C>T, p.Ala2107Val (NM_001099952.4); c.6419C>T, p.Ala2140Val (NM_001168272.2); c.6275C>T, p.Ala2092Val (NM_002222.7); short protein forms A2092V, A2107V, A2140V, A2155V.
Identifiers: ClinVar variation 1490148 (VCV001490148.8), dbSNP rs2125397931, ClinGen allele CA351639420.

ClinVar aggregate classification (germline): Uncertain significance (1 of 4 stars; one submission).

Submission:

Labcorp Genetics (formerly Invitae), Labcorp
Classification: Uncertain significance. Last evaluated: 2023-08-04. Review status: criteria provided, single submitter. Criteria: Invitae Variant Classification Sherloc (09022015). Collection method: clinical testing. Allele origin: germline.
Comment: This variant is not present in population databases (gnomAD no frequency). This sequence change replaces alanine, which is neutral and non-polar, with valine, which is neutral and non-polar, at codon 2092 of the ITPR1 protein (p.Ala2092Val). This variant has not been reported in the literature in individuals affected with ITPR1-related conditions. ClinVar contains an entry for this variant (Variation ID: 1490148). Advanced modeling of protein sequence and biophysical properties (such as structural, functional, and spatial information, amino acid conservation, physicochemical variation, residue mobility, and thermodynamic stability) performed at Invitae indicates that this missense variant is not expected to disrupt ITPR1 protein function. In summary, the available evidence is currently insufficient to determine the role of this variant in disease. Therefore, it has been classified as a Variant of Uncertain Significance.